The following is an entry in ClinVar:

NM_001792.5(CDH2):c.29C>T (p.Thr10Ile)

Gene: CDH2 (cadherin 2; minus strand). Cytogenetic location: 18q12.1.
Variant type: single nucleotide variant.
Coding change: c.29C>T on transcript NM_001792.5 (MANE Select); coding-DNA position 29, C replaced by T.
Protein change: p.Thr10Ile; replaces threonine 10 with isoleucine.
Molecular consequence: missense variant.
Genome position (GRCh38, 1-based): chr18:28,176,994, G>A on the plus strand (C>T on the coding strand, the complement: CDH2 is on the minus strand). VCF-style: chr18-28176994-G-A. GRCh37 (hg19) VCF-style: chr18-25756958-G-A.
Other names: short protein forms T10I.
Identifiers: ClinVar variation 1798635 (VCV001798635.7), dbSNP rs773400550, ClinGen allele CA402245108.

ClinVar aggregate classification (germline): Uncertain significance. Review status: criteria provided, multiple submitters, no conflicts (2 of 4 stars). 2 submissions from 2 submitters: Uncertain significance (2). Last evaluated 2026-01-07.

Conditions:
Inborn genetic diseases. Identifiers: MedGen C0950123, MeSH D030342.

gnomAD v4.1: 6 of 1,479,228 alleles (0.00041%); highest among the groups gnomAD compares: South Asian, 0.0025%; no homozygotes.

Submissions (2):

Labcorp Genetics (formerly Invitae), Labcorp
Classification: Uncertain significance. Last evaluated: 2026-01-07. Review status: criteria provided, single submitter. Criteria: Invitae Variant Classification Sherloc (09022015). Collection method: clinical testing. Allele origin: germline.
Comment: This sequence change replaces threonine, which is neutral and polar, with isoleucine, which is neutral and non-polar, at codon 10 of the CDH2 protein (p.Thr10Ile). This variant is present in population databases (no rsID available, gnomAD 0.005%). This variant has not been reported in the literature in individuals affected with CDH2-related conditions. ClinVar contains an entry for this variant (Variation ID: 1798635). An algorithm developed to predict the effect of missense changes on protein structure and function (PolyPhen-2) suggests that this variant is likely to be tolerated. In summary, the available evidence is currently insufficient to determine the role of this variant in disease. Therefore, it has been classified as a Variant of Uncertain Significance.

Ambry Genetics
Classification: Uncertain significance for Inborn genetic diseases. Last evaluated: 2021-12-24. Review status: criteria provided, single submitter. Criteria: Ambry Variant Classification Scheme 2023. Collection method: clinical testing. Allele origin: germline.
Comment: The p.T10I variant (also known as c.29C>T), located in coding exon 1 of the CDH2 gene, results from a C to T substitution at nucleotide position 29. The threonine at codon 10 is replaced by isoleucine, an amino acid with similar properties. This amino acid position is conserved. In addition, this alteration is predicted to be tolerated by in silico analysis. Since supporting evidence is limited at this time, the clinical significance of this alteration remains unclear.